The following is an entry in ClinVar:

ClinVar aggregate classification (germline): Likely pathogenic (1 of 4 stars; one submission).

Conditions:
Exudative vitreoretinopathy 4 (EVR4). Identifiers: Orphanet 891, MedGen C1866176, MONDO:0011151, OMIM 601813.

gnomAD v4.1: 1 of 1,611,216 alleles (0.000062%); highest among the groups gnomAD compares: Non-Finnish European, 0.000085%; no homozygotes.

Submission:

3billion
Classification: Likely pathogenic for Exudative vitreoretinopathy 4. Review status: criteria provided, single submitter. Criteria: ACMG Guidelines, 2015. Collection method: clinical testing. Allele origin: unknown. Affected: yes. Observed: 1 heterozygote.
Comment: The variant is not observed in the gnomAD v2.1.1 dataset. The variant is predicted to result in a loss or disruption of normal protein function through nonsense-mediated decay (NMD) or protein truncation. Multiple pathogenic variants are reported downstream of the variant. Therefore, this variant is classified as Likely pathogenic according to the recommendation of ACMG/AMP guideline.

NM_002335.4(LRP5):c.853C>T (p.Gln285Ter)

Gene: LRP5 (LDL receptor related protein 5; plus strand). Cytogenetic location: 11q13.2.
Variant type: single nucleotide variant.
Coding change: c.853C>T on transcript NM_002335.4 (MANE Select); coding-DNA position 853, C replaced by T.
Protein change: p.Gln285Ter; replaces glutamine 285 with a stop codon.
Molecular consequence: nonsense. On other transcripts: 5 prime UTR variant (1).
Genome position (GRCh38, 1-based): chr11:68,363,913, C>T. VCF-style: chr11-68363913-C-T. GRCh37 (hg19) VCF-style: chr11-68131381-C-T.
Other names: c.-913C>T (NM_001291902.2); short protein forms Q285*.
Identifiers: ClinVar variation 2572377 (VCV002572377.1), dbSNP rs2496470941, ClinGen allele CA381611258.